The following is an entry in ClinVar:

NM_001382391.1(CSPP1):c.1507del (p.Leu503fs)

Gene: CSPP1 (centrosome and spindle pole associated protein 1; plus strand). Cytogenetic location: 8q13.2.
Variant type: Deletion.
Coding change: c.1507del on transcript NM_001382391.1 (MANE Select); coding-DNA position 1507, one base deleted (C; older notation c.1507delC).
Protein change: p.Leu503fs; shifts the reading frame from leucine 503.
Molecular consequence: frameshift variant.
Genome position (GRCh38, 1-based): chr8:67,118,258, C deleted. VCF-style (leftmost placement, unchanged base first): chr8-67118257-TC-T. GRCh37 (hg19) VCF-style: chr8-68030492-TC-T.
Other names: c.610del, p.Leu204fs (NM_001291339.2); c.1426del, p.Leu476fs (NM_001363131.2); c.1465del, p.Leu489fs (NM_001363132.2); c.1384del, p.Leu462fs (NM_001363133.2); c.1573del, p.Leu525fs (NM_001364869.1); c.1393del, p.Leu465fs (NM_001364870.1); c.1492del, p.Leu498fs (NM_001438330.1, NM_001438331.1, NM_024790.7); c.961del, p.Leu321fs (NM_001438332.1); short protein forms L204fs, L321fs, L462fs, L465fs, L476fs, L489fs, L498fs, L503fs.
Identifiers: ClinVar variation 4688585 (VCV004688585.1).

ClinVar aggregate classification (germline): Pathogenic (1 of 4 stars; one submission).

Conditions:
Joubert syndrome 21 (JBTS21). Identifiers: MedGen C3810212, MONDO:0014288, OMIM 615636.

Submission:

Women's Health and Genetics/Laboratory Corporation of America, LabCorp
Classification: Pathogenic for Joubert syndrome 21. Last evaluated: 2025-12-04. Review status: criteria provided, single submitter. Criteria: LabCorp Variant Classification Summary - May 2015. Collection method: clinical testing. Allele origin: germline.
Comment: Variant summary: CSPP1 c.1492delC (p.Leu498CysfsX42) results in a premature termination codon, predicted to cause a truncation of the encoded protein or absence of the protein due to nonsense mediated decay, which are commonly known mechanisms for disease. The variant was absent in 249240 control chromosomes (gnomAD). To our knowledge, no occurrence of c.1492delC in individuals affected with CSPP1-related conditions and no experimental evidence demonstrating its impact on protein function have been reported. No submitters have cited clinical-significance assessments for this variant to ClinVar. Based on the evidence outlined above, the variant was classified as pathogenic.